The following is an entry in ClinVar:

NM_001130823.3(DNMT1):c.3939C>T (p.Gly1313=)

Gene: DNMT1 (DNA methyltransferase 1; minus strand). Cytogenetic location: 19p13.2.
Variant type: single nucleotide variant.
Coding change: c.3939C>T on transcript NM_001130823.3 (MANE Select); coding-DNA position 3939, C replaced by T.
Protein change: p.Gly1313=; no amino-acid change (glycine 1313 retained).
Molecular consequence: synonymous variant.
Genome position (GRCh38, 1-based): chr19:10,139,685, G>A on the plus strand (C>T on the coding strand, the complement: DNMT1 is on the minus strand). VCF-style: chr19-10139685-G-A. GRCh37 (hg19) VCF-style: chr19-10250361-G-A.
Other names: p.Gly1313=; c.3939C>T (LRG_362t1); c.3891C>T, p.Gly1297= (NM_001318730.2, NM_001379.4); c.3576C>T, p.Gly1192= (NM_001318731.2).
Identifiers: ClinVar variation 257541 (VCV000257541.37), dbSNP rs142903301, ClinGen allele CA9187643.

ClinVar aggregate classification (germline): Benign. Review status: criteria provided, multiple submitters, no conflicts (2 of 4 stars). 10 submissions from 10 submitters: Benign (8). 2 of the submissions do not count toward it. Last evaluated 2026-02-02.

Conditions:
Hereditary sensory neuropathy-deafness-dementia syndrome. Also called: Hereditary sensory neuropathy type IE; Hereditary Sensory and Autonomic Neuropathy Type 1E (HSAN1E); HSN IE; NEUROPATHY, HEREDITARY SENSORY, WITH HEARING LOSS AND DEMENTIA. Identifiers: Orphanet 456318, MedGen C3279885, MONDO:0013584, OMIM 614116.

Allele frequency attached by ClinVar (database versions not stated): 1000 Genomes Project 30x 0.00234; 1000 Genomes Project 0.00240; TOPMed 0.00881; gnomAD exomes 0.00912; gnomAD 0.00954 and 0.00977; ESP Exome Variant Server 0.01046; ExAC 0.01098.
gnomAD v4.1: 21,312 of 1,613,040 alleles (1.3%); highest among the groups gnomAD compares: Non-Finnish European, 1.6%; 169 homozygotes.

Submissions 1 to 30 of 65:

Labcorp Genetics (formerly Invitae), Labcorp
Classification: Benign for Hereditary sensory neuropathy-deafness-dementia syndrome. Last evaluated: 2026-02-02. Review status: criteria provided, single submitter. Criteria: Invitae Variant Classification Sherloc (09022015). Collection method: clinical testing. Allele origin: germline.

ARUP Laboratories, Molecular Genetics and Genomics, ARUP Laboratories
Classification: Benign. Last evaluated: 2025-06-26. Review status: criteria provided, single submitter. Criteria: ARUP Molecular Germline Variant Investigation Process 2024. Collection method: clinical testing. Allele origin: germline.

Athena Diagnostics
Classification: Benign. Last evaluated: 2018-11-20. Review status: criteria provided, single submitter. Criteria: Athena Diagnostics Criteria. Collection method: clinical testing. Allele origin: germline.

Illumina Laboratory Services, Illumina
Classification: Benign for Hereditary sensory neuropathy-deafness-dementia syndrome. Last evaluated: 2018-01-12. Review status: criteria provided, single submitter. Criteria: ICSL Variant Classification Criteria 13 December 2019. Collection method: clinical testing. Allele origin: germline.
Comment: This variant was observed in the ICSL laboratory as part of a predisposition screen in an ostensibly healthy population. It had not been previously curated by ICSL or reported in the Human Gene Mutation Database (HGMD: prior to June 1st, 2018), and was therefore a candidate for classification through an automated scoring system. Utilizing variant allele frequency, disease prevalence and penetrance estimates, and inheritance mode, an automated score was calculated to assess if this variant is too frequent to cause the disease. Based on the score and internal cut-off values, a variant classified as benign is not then subjected to further curation. The score for this variant resulted in a classification of benign for this disease.

Mayo Clinic Laboratories, Mayo Clinic
Classification: Benign. Last evaluated: 2016-04-22. Review status: criteria provided, single submitter. Criteria: ACMG Guidelines, 2015. Collection method: clinical testing. Allele origin: germline. Observed: 46 variant alleles.

GeneDx
Classification: Benign. Last evaluated: 2015-03-03. Review status: criteria provided, single submitter. Criteria: GeneDx Variant Classification Process June 2021. Collection method: clinical testing. Allele origin: germline. Affected: yes.

Breakthrough Genomics
Classification: Benign. Review status: criteria provided, single submitter. Criteria: ACMG Guidelines, 2015. Collection method: not provided. Allele origin: germline. Inheritance: Autosomal dominant inheritance. Affected: yes.

PreventionGenetics, part of Exact Sciences
Classification: Benign. Review status: criteria provided, single submitter. Criteria: ACMG Guidelines, 2015. Collection method: clinical testing. Allele origin: germline.

Clinical Genetics DNA and cytogenetics Diagnostics Lab, Erasmus MC, Erasmus Medical Center
Classification: Benign. Review status: no assertion criteria provided. Collection method: clinical testing. Allele origin: germline. Affected: yes. Study: VKGL Data-share Consensus. Not counted in ClinVar's aggregate classification.

Clinical Genetics, Academic Medical Center
Classification: Benign. Review status: no assertion criteria provided. Collection method: clinical testing. Allele origin: germline. Affected: yes. Study: VKGL Data-share Consensus. Not counted in ClinVar's aggregate classification.

Dr. Peter K. Rogan Lab, Western University
No classification provided (evidence only). Condition: Clear cell carcinoma of kidney. Review status: no classification provided. Collection method: in vitro. Allele origin: not applicable. Functional consequence: retained intron. Not counted in ClinVar's aggregate classification.

Dr. Peter K. Rogan Lab, Western University
No classification provided (evidence only). Condition: Clear cell carcinoma of kidney. Review status: no classification provided. Collection method: in vitro. Allele origin: not applicable. Functional consequence: retained intron. Not counted in ClinVar's aggregate classification.

Dr. Peter K. Rogan Lab, Western University
No classification provided (evidence only). Condition: Clear cell carcinoma of kidney. Review status: no classification provided. Collection method: in vitro. Allele origin: not applicable. Functional consequence: retained intron. Not counted in ClinVar's aggregate classification.

Dr. Peter K. Rogan Lab, Western University
No classification provided (evidence only). Condition: Clear cell carcinoma of kidney. Review status: no classification provided. Collection method: in vitro. Allele origin: not applicable. Functional consequence: retained intron. Not counted in ClinVar's aggregate classification.

Dr. Peter K. Rogan Lab, Western University
No classification provided (evidence only). Condition: Lung cancer. Review status: no classification provided. Collection method: in vitro. Allele origin: not applicable. Functional consequence: retained intron. Not counted in ClinVar's aggregate classification.

Dr. Peter K. Rogan Lab, Western University
No classification provided (evidence only). Condition: Lung cancer. Review status: no classification provided. Collection method: in vitro. Allele origin: not applicable. Functional consequence: retained intron. Not counted in ClinVar's aggregate classification.

Dr. Peter K. Rogan Lab, Western University
No classification provided (evidence only). Condition: Lung cancer. Review status: no classification provided. Collection method: in vitro. Allele origin: not applicable. Functional consequence: retained intron. Not counted in ClinVar's aggregate classification.

Dr. Peter K. Rogan Lab, Western University
No classification provided (evidence only). Condition: Lung cancer. Review status: no classification provided. Collection method: in vitro. Allele origin: not applicable. Functional consequence: retained intron. Not counted in ClinVar's aggregate classification.

Dr. Peter K. Rogan Lab, Western University
No classification provided (evidence only). Condition: Lung cancer. Review status: no classification provided. Collection method: in vitro. Allele origin: not applicable. Functional consequence: retained intron. Not counted in ClinVar's aggregate classification.

Dr. Peter K. Rogan Lab, Western University
No classification provided (evidence only). Condition: Lung cancer. Review status: no classification provided. Collection method: in vitro. Allele origin: not applicable. Functional consequence: retained intron. Not counted in ClinVar's aggregate classification.

Dr. Peter K. Rogan Lab, Western University
No classification provided (evidence only). Condition: Melanoma. Review status: no classification provided. Collection method: in vitro. Allele origin: not applicable. Functional consequence: retained intron. Not counted in ClinVar's aggregate classification.

Dr. Peter K. Rogan Lab, Western University
No classification provided (evidence only). Condition: Melanoma. Review status: no classification provided. Collection method: in vitro. Allele origin: not applicable. Functional consequence: retained intron. Not counted in ClinVar's aggregate classification.

Dr. Peter K. Rogan Lab, Western University
No classification provided (evidence only). Condition: Melanoma. Review status: no classification provided. Collection method: in vitro. Allele origin: not applicable. Functional consequence: retained intron. Not counted in ClinVar's aggregate classification.

Dr. Peter K. Rogan Lab, Western University
No classification provided (evidence only). Condition: Melanoma. Review status: no classification provided. Collection method: in vitro. Allele origin: not applicable. Functional consequence: retained intron. Not counted in ClinVar's aggregate classification.

Dr. Peter K. Rogan Lab, Western University
No classification provided (evidence only). Condition: Acute myeloid leukemia. Review status: no classification provided. Collection method: in vitro. Allele origin: not applicable. Functional consequence: skipped exon, retained intron. Not counted in ClinVar's aggregate classification.

Dr. Peter K. Rogan Lab, Western University
No classification provided (evidence only). Condition: Acute myeloid leukemia. Review status: no classification provided. Collection method: in vitro. Allele origin: not applicable. Functional consequence: retained intron. Not counted in ClinVar's aggregate classification.

Dr. Peter K. Rogan Lab, Western University
No classification provided (evidence only). Condition: Acute myeloid leukemia. Review status: no classification provided. Collection method: in vitro. Allele origin: not applicable. Functional consequence: retained intron. Not counted in ClinVar's aggregate classification.

Dr. Peter K. Rogan Lab, Western University
No classification provided (evidence only). Condition: Acute myeloid leukemia. Review status: no classification provided. Collection method: in vitro. Allele origin: not applicable. Functional consequence: retained intron. Not counted in ClinVar's aggregate classification.

Dr. Peter K. Rogan Lab, Western University
No classification provided (evidence only). Condition: Colon adenocarcinoma. Review status: no classification provided. Collection method: in vitro. Allele origin: not applicable. Functional consequence: retained intron. Not counted in ClinVar's aggregate classification.

Dr. Peter K. Rogan Lab, Western University
No classification provided (evidence only). Condition: Colon adenocarcinoma. Review status: no classification provided. Collection method: in vitro. Allele origin: not applicable. Functional consequence: retained intron. Not counted in ClinVar's aggregate classification.